The following is an entry in ClinVar:

NM_020778.5(ALPK3):c.4650G>T (p.Met1550Ile)

Gene: ALPK3 (alpha kinase 3; plus strand). Cytogenetic location: 15q25.3.
Variant type: single nucleotide variant.
Coding change: c.4650G>T on transcript NM_020778.5 (MANE Select); coding-DNA position 4650, G replaced by T.
Protein change: p.Met1550Ile; replaces methionine 1550 with isoleucine.
Molecular consequence: missense variant.
Genome position (GRCh38, 1-based): chr15:84,864,592, G>T. VCF-style: chr15-84864592-G-T. GRCh37 (hg19) VCF-style: chr15-85407823-G-T.
Other names: short protein forms M1550I.
Identifiers: ClinVar variation 4044510 (VCV004044510.1).

ClinVar aggregate classification (germline): Uncertain significance (1 of 4 stars; one submission).

Conditions:
Cardiovascular phenotype. Identifiers: MedGen CN230736.

Submission:

Ambry Genetics
Classification: Uncertain significance for Cardiovascular phenotype. Last evaluated: 2025-04-02. Review status: criteria provided, single submitter. Criteria: Ambry Variant Classification Scheme 2023. Collection method: clinical testing. Allele origin: germline.
Comment: The p.M1752I variant (also known as c.5256G>T), located in coding exon 12 of the ALPK3 gene, results from a G to T substitution at nucleotide position 5256. The methionine at codon 1752 is replaced by isoleucine, an amino acid with highly similar properties. This amino acid position is conserved. In addition, this alteration is predicted to be tolerated by in silico analysis. Based on the available evidence, the clinical significance of this variant remains unclear.